The following is an entry in ClinVar:

ClinVar aggregate classification (germline): Likely benign (1 of 4 stars; one submission).

Allele frequency attached by ClinVar (database versions not stated): TOPMed 0.00001; gnomAD 0.00002; gnomAD exomes 0.00009.
gnomAD v4.1: 130 of 1,608,492 alleles (0.0081%); highest among the groups gnomAD compares: South Asian, 0.029%; 1 homozygote.

Submission:

CeGaT Center for Human Genetics Tuebingen
Classification: Likely benign. Last evaluated: 2022-06-01. Review status: criteria provided, single submitter. Criteria: CeGaT Center For Human Genetics Tuebingen Variant Classification Criteria Version 2. Collection method: clinical testing. Allele origin: germline. Affected: yes. Observed: 1 variant allele.
Comment: PPP2R3B: BP4, BP7

NM_013239.5(PPP2R3B):c.1566C>T (p.Pro522=)

Gene: PPP2R3B (protein phosphatase 2 regulatory subunit B''beta; minus strand). Cytogenetic location: Xp22.33.
Variant type: single nucleotide variant.
Coding change: c.1566C>T on transcript NM_013239.5 (MANE Select); coding-DNA position 1566, C replaced by T.
Protein change: p.Pro522=; no amino-acid change (proline 522 retained).
Molecular consequence: synonymous variant.
Genome position (GRCh38, 1-based): chrX:338,615, G>A on the plus strand (C>T on the coding strand, the complement: PPP2R3B is on the minus strand). VCF-style: chrX-338615-G-A. GRCh37 (hg19) VCF-style: chrX-299350-G-A.
Identifiers: ClinVar variation 2659854 (VCV002659854.24), dbSNP rs773605704, ClinGen allele CA10328741.
Genomic context (GRCh38, chrX:338,615, plus strand): 5'-CCGTCCTCCCACTGACCCGTCCCCCCACTCACCCGTCCTCCCCACTCACCCGTCCTCCCA[G>A]GGCTCTCCCGCAGTCTCCTCGGCCACCAGGATGTCGTACTCCTCGGCCGCGTACTTCTCC-3'
Protein context (NP_037371.2, residues 512-532): ILVAEETAGE[Pro522=]WEDGFEAELS